The following is an entry in ClinVar:

ClinVar aggregate classification (germline): Benign. Review status: criteria provided, single submitter (1 of 4 stars). 2 submissions from 2 submitters: Benign (1). 1 of the submissions does not count toward it. Last evaluated 2022-03-01.

Conditions:
SETD1B-related disorder. Also called: SETD1B-related condition.

Allele frequency attached by ClinVar (database versions not stated): gnomAD exomes 0.00002; ExAC 0.00017; gnomAD 0.00021; ESP Exome Variant Server 0.00022; TOPMed 0.00022; 1000 Genomes Project 30x 0.00031; 1000 Genomes Project 0.00040.
gnomAD v4.1: 108 of 1,560,336 alleles (0.0069%); highest among the groups gnomAD compares: East Asian, 0.077%; 1 homozygote.

Submissions (2):

CeGaT Center for Human Genetics Tuebingen
Classification: Benign. Last evaluated: 2022-03-01. Review status: criteria provided, single submitter. Criteria: CeGaT Center For Human Genetics Tuebingen Variant Classification Criteria Version 2. Collection method: clinical testing. Allele origin: germline. Affected: yes. Observed: 1 variant allele.
Comment: SETD1B: BS1, BS2

PreventionGenetics, part of Exact Sciences
Classification: Likely benign for SETD1B-related condition. Last evaluated: 2019-07-30. Review status: no assertion criteria provided. Collection method: clinical testing. Allele origin: germline. Not counted in ClinVar's aggregate classification.
Comment: This variant is classified as likely benign based on ACMG/AMP sequence variant interpretation guidelines (Richards et al. 2015 PMID: 25741868, with internal and published modifications).

NM_001353345.2(SETD1B):c.5568C>T (p.Tyr1856=)

Gene: SETD1B (SET domain containing 1B, histone lysine methyltransferase; plus strand). Cytogenetic location: 12q24.31.
Variant type: single nucleotide variant.
Coding change: c.5568C>T on transcript NM_001353345.2 (MANE Select); coding-DNA position 5568, C replaced by T.
Protein change: p.Tyr1856=; no amino-acid change (tyrosine 1856 retained).
Molecular consequence: synonymous variant.
Genome position (GRCh38, 1-based): chr12:121,827,833, C>T. VCF-style: chr12-121827833-C-T. GRCh37 (hg19) VCF-style: chr12-122265739-C-T.
Other names: NM_015048.1:c.5439C>T.
Identifiers: ClinVar variation 2643486 (VCV002643486.25), dbSNP rs368253599, ClinGen allele CA6839309.